The following is an entry in ClinVar:

NM_005441.3(CHAF1B):c.47T>C (p.Val16Ala)

Gene: CHAF1B (chromatin assembly factor 1 subunit B; plus strand). Cytogenetic location: 21q22.12.
Variant type: single nucleotide variant.
Coding change: c.47T>C on transcript NM_005441.3 (MANE Select); coding-DNA position 47, T replaced by C.
Protein change: p.Val16Ala; replaces valine 16 with alanine.
Molecular consequence: missense variant.
Genome position (GRCh38, 1-based): chr21:36,386,183, T>C. VCF-style: chr21-36386183-T-C. GRCh37 (hg19) VCF-style: chr21-37758481-T-C.
Other names: short protein forms V16A.
Identifiers: ClinVar variation 2652647 (VCV002652647.24), dbSNP rs143543321, ClinGen allele CA10018654.

ClinVar aggregate classification (germline): Likely benign (1 of 4 stars; one submission).

Allele frequency attached by ClinVar (database versions not stated): 1000 Genomes Project 30x 0.00156; 1000 Genomes Project 0.00160; TOPMed 0.00265; ExAC 0.00276; gnomAD 0.00276; ESP Exome Variant Server 0.00415; gnomAD exomes 0.00423.

Submission:

CeGaT Center for Human Genetics Tuebingen
Classification: Likely benign. Last evaluated: 2024-04-01. Review status: criteria provided, single submitter. Criteria: CeGaT Center For Human Genetics Tuebingen Variant Classification Criteria Version 2. Collection method: clinical testing. Allele origin: germline. Affected: yes. Observed: 2 variant alleles.
Comment: CHAF1B: BS2